The following is an entry in ClinVar:

ClinVar aggregate classification (germline): Uncertain significance (1 of 4 stars; one submission).

Allele frequency attached by ClinVar (database versions not stated): TOPMed below 0.00001; ExAC 0.00001; gnomAD 0.00001; 1000 Genomes Project 30x 0.00016; 1000 Genomes Project 0.00020.
gnomAD v4.1: 2 of 1,614,060 alleles (0.00012%); highest among the groups gnomAD compares: East Asian, 0.0022%; no homozygotes.

Submission:

Labcorp Genetics (formerly Invitae), Labcorp
Classification: Uncertain significance. Last evaluated: 2023-09-20. Review status: criteria provided, single submitter. Criteria: Invitae Variant Classification Sherloc (09022015). Collection method: clinical testing. Allele origin: germline.
Comment: This variant is present in population databases (rs567339457, gnomAD 0.007%). This variant has not been reported in the literature in individuals affected with VCAN-related conditions. Algorithms developed to predict the effect of missense changes on protein structure and function output the following: SIFT: "Not Available"; PolyPhen-2: "Benign"; Align-GVGD: "Not Available". The isoleucine amino acid residue is found in multiple mammalian species, which suggests that this missense change does not adversely affect protein function. In summary, the available evidence is currently insufficient to determine the role of this variant in disease. Therefore, it has been classified as a Variant of Uncertain Significance. This sequence change replaces threonine, which is neutral and polar, with isoleucine, which is neutral and non-polar, at codon 1688 of the VCAN protein (p.Thr1688Ile).

NM_004385.5(VCAN):c.5063C>T (p.Thr1688Ile)

Genes: VCAN (versican; plus strand), VCAN-AS1 (VCAN antisense RNA 1; minus strand). Cytogenetic location: 5q14.3.
Variant type: single nucleotide variant.
Coding change: c.5063C>T on transcript NM_004385.5 (MANE Select); coding-DNA position 5063, C replaced by T.
Protein change: p.Thr1688Ile; replaces threonine 1688 with isoleucine.
Molecular consequence: missense variant. On other transcripts: intron variant (2).
Genome position (GRCh38, 1-based): chr5:83,538,066, C>T. VCF-style: chr5-83538066-C-T. GRCh37 (hg19) VCF-style: chr5-82833885-C-T.
Other names: c.2102C>T, p.Thr701Ile (NM_001164097.2); c.4004-7471C>T (NM_001164098.2); c.1043-7471C>T (NM_001126336.3); short protein forms T1688I, T701I.
Identifiers: ClinVar variation 2729935 (VCV002729935.3), dbSNP rs567339457, ClinGen allele CA3333274.